The following is an entry in ClinVar:

NM_021930.6(RINT1):c.1766G>C (p.Ser589Thr)

Gene: RINT1 (RAD50 interactor 1; plus strand). Cytogenetic location: 7q22.3.
Variant type: single nucleotide variant.
Coding change: c.1766G>C on transcript NM_021930.6 (MANE Select); coding-DNA position 1766, G replaced by C.
Protein change: p.Ser589Thr; replaces serine 589 with threonine.
Molecular consequence: missense variant. On other transcripts: non-coding transcript variant (1).
Genome position (GRCh38, 1-based): chr7:105,563,827, G>C. VCF-style: chr7-105563827-G-C. GRCh37 (hg19) VCF-style: chr7-105204274-G-C.
Other names: c.1532G>C, p.Ser511Thr (NM_001346599.2); c.743G>C, p.Ser248Thr (NM_001346600.2, NM_001346603.2); c.842G>C, p.Ser281Thr (NM_001346601.2); short protein forms S248T, S281T, S511T, S589T.
Identifiers: ClinVar variation 4154600 (VCV004154600.1).

ClinVar aggregate classification (germline): Uncertain significance (1 of 4 stars; one submission).

Submission:

Ambry Genetics
Classification: Uncertain significance. Last evaluated: 2025-06-23. Review status: criteria provided, single submitter. Criteria: Ambry Variant Classification Scheme 2023. Collection method: clinical testing. Allele origin: germline.
Comment: The p.S589T variant (also known as c.1766G>C), located in coding exon 12 of the RINT1 gene, results from a G to C substitution at nucleotide position 1766. The serine at codon 589 is replaced by threonine, an amino acid with similar properties. This amino acid position is conserved. In addition, this alteration is predicted to be tolerated by in silico analysis. Based on the available evidence, the clinical significance of this variant remains unclear.